The following is an entry in ClinVar:

NM_002734.5(PRKAR1A):c.566A>C (p.Glu189Ala)

Gene: PRKAR1A (protein kinase cAMP-dependent type I regulatory subunit alpha; plus strand). Cytogenetic location: 17q24.2.
Variant type: single nucleotide variant.
Coding change: c.566A>C on transcript NM_002734.5 (MANE Select); coding-DNA position 566, A replaced by C.
Protein change: p.Glu189Ala; replaces glutamic acid 189 with alanine.
Molecular consequence: missense variant.
Genome position (GRCh38, 1-based): chr17:68,525,770, A>C. VCF-style: chr17-68525770-A-C. GRCh37 (hg19) VCF-style: chr17-66521911-A-C.
Other names: c.566A>C, p.Glu189Ala (NM_001276289.2, NM_001276290.1, NM_001278433.2 and 4 more transcripts); short protein forms E189A.
Identifiers: ClinVar variation 3425079 (VCV003425079.1).

ClinVar aggregate classification (germline): Uncertain significance (1 of 4 stars; one submission).

Conditions:
Hereditary cancer-predisposing syndrome. Also called: Neoplastic Syndromes, Hereditary; Tumor predisposition; Hereditary Cancer Syndrome; Hereditary neoplastic syndrome. Identifiers: Orphanet 140162, MedGen C0027672, MeSH D009386, MONDO:0015356.

gnomAD v4.1: 2 of 1,614,022 alleles (0.00012%); highest among the groups gnomAD compares: Non-Finnish European, 0.00017%; no homozygotes.

Submission:

Ambry Genetics
Classification: Uncertain significance for Hereditary cancer-predisposing syndrome. Last evaluated: 2024-11-25. Review status: criteria provided, single submitter. Criteria: Ambry Variant Classification Scheme 2023. Collection method: clinical testing. Allele origin: germline.
Comment: The p.E189A variant (also known as c.566A>C), located in coding exon 6 of the PRKAR1A gene, results from an A to C substitution at nucleotide position 566. The glutamic acid at codon 189 is replaced by alanine, an amino acid with dissimilar properties. This amino acid position is well conserved in available vertebrate species. In addition, the in silico prediction for this alteration is inconclusive. Based on the available evidence, the clinical significance of this variant remains unclear.